The following is an entry in ClinVar:

ClinVar aggregate classification (germline): Uncertain significance (1 of 4 stars; one submission).

Conditions:
Hereditary breast ovarian cancer syndrome. Also called: Hereditary breast and ovarian cancer syndrome; Breast and ovarian cancer; Hereditary breast and/or ovarian cancer syndrome; Hereditary breast and ovarian cancer; BRCA1- and BRCA2-Associated Hereditary Breast and Ovarian Cancer; Hereditary breast and ovarian cancer syndrome (HBOC). Identifiers: Orphanet 145, MedGen C0677776, MeSH D061325, MONDO:0003582. Disease mechanism: loss of function.

Submission:

Labcorp Genetics (formerly Invitae), Labcorp
Classification: Uncertain significance for Hereditary breast ovarian cancer syndrome. Last evaluated: 2022-06-12. Review status: criteria provided, single submitter. Criteria: Invitae Variant Classification Sherloc (09022015). Collection method: clinical testing. Allele origin: germline.
Comment: In summary, the available evidence is currently insufficient to determine the role of this variant in disease. Therefore, it has been classified as a Variant of Uncertain Significance. Variants that disrupt the consensus splice site are a relatively common cause of aberrant splicing (PMID: 17576681, 9536098). Algorithms developed to predict the effect of sequence changes on RNA splicing suggest that this variant is not likely to affect RNA splicing. ClinVar contains an entry for this variant (Variation ID: 850720). This variant has not been reported in the literature in individuals affected with BRCA2-related conditions. This variant is not present in population databases (gnomAD no frequency). This sequence change falls in intron 9 of the BRCA2 gene. It does not directly change the encoded amino acid sequence of the BRCA2 protein. It affects a nucleotide within the consensus splice site.

Literature cited by the submitters: PubMed 17576681; PubMed 9536098.

NM_000059.4(BRCA2):c.794-3C>T

Gene: BRCA2 (BRCA2 DNA repair associated; plus strand). Cytogenetic location: 13q13.1.
Variant type: single nucleotide variant.
Coding change: c.794-3C>T on transcript NM_000059.4 (MANE Select); 3 bases into the intron before coding-DNA position 794, C replaced by T.
Molecular consequence: intron variant.
Genome position (GRCh38, 1-based): chr13:32,332,269, C>T. VCF-style: chr13-32332269-C-T. GRCh37 (hg19) VCF-style: chr13-32906406-C-T.
Identifiers: ClinVar variation 850720 (VCV000850720.13), dbSNP rs1389845334, ClinGen allele CA916080542.